The following is an entry in ClinVar:

NM_000059.4(BRCA2):c.8942A>G (p.Glu2981Gly)

Gene: BRCA2 (BRCA2 DNA repair associated; plus strand). Cytogenetic location: 13q13.1.
Variant type: single nucleotide variant.
Coding change: c.8942A>G on transcript NM_000059.4 (MANE Select); coding-DNA position 8942, A replaced by G.
Protein change: p.Glu2981Gly; replaces glutamic acid 2981 with glycine.
Molecular consequence: missense variant.
Genome position (GRCh38, 1-based): chr13:32,379,504, A>G. VCF-style: chr13-32379504-A-G. GRCh37 (hg19) VCF-style: chr13-32953641-A-G.
Other names: 9170A>G; short protein forms E2981G.
Identifiers: ClinVar variation 91738 (VCV000091738.33), dbSNP rs398122716, ClinGen allele CA025881.

ClinVar aggregate classification (germline): Conflicting classifications of pathogenicity. Review status: criteria provided, conflicting classifications (1 of 4 stars). 10 submissions from 10 submitters: Uncertain significance (7); Benign (1); Likely benign (1). 1 of the submissions does not count toward it. Last evaluated 2026-01-26.

Conditions:
Hereditary breast ovarian cancer syndrome. Also called: Breast and ovarian cancer; Hereditary breast and ovarian cancer; Hereditary breast and ovarian cancer syndrome; BRCA1- and BRCA2-Associated Hereditary Breast and Ovarian Cancer; Hereditary breast and ovarian cancer syndrome (HBOC); Hereditary breast and/or ovarian cancer syndrome. Identifiers: Orphanet 145, MedGen C0677776, MeSH D061325, MONDO:0003582. Disease mechanism: loss of function.
Familial cancer of breast. Also called: BREAST CANCER, FAMILIAL; hereditary breast carcinoma; Hereditary breast cancer. Identifiers: Orphanet 227535, MedGen C0346153, MONDO:0016419, OMIM 114480. Disease mechanism: loss of function.
BRCA2-related cancer predisposition. Identifiers: MedGen CN377758, MONDO:0700269.
Hereditary cancer-predisposing syndrome. Also called: Tumor predisposition; Hereditary Cancer Syndrome; Neoplastic Syndromes, Hereditary; Hereditary neoplastic syndrome. Identifiers: Orphanet 140162, MedGen C0027672, MeSH D009386, MONDO:0015356.
Breast-ovarian cancer, familial, susceptibility to, 2 (BROVCA2). Also called: BRCA2 Hereditary Breast and Ovarian Cancer. Identifiers: Orphanet 145, MedGen C2675520, MONDO:0012933, OMIM 612555. Disease mechanism: loss of function.

Allele frequency attached by ClinVar (database versions not stated): ExAC 0.00001; gnomAD exomes 0.00001 and 0.00002; TOPMed 0.00001.
gnomAD v4.1: 7 of 1,612,854 alleles (0.00043%); highest among the groups gnomAD compares: Admixed American, 0.0084%; no homozygotes.

Submissions (10):

Labcorp Genetics (formerly Invitae), Labcorp
Classification: Likely benign for Hereditary breast ovarian cancer syndrome. Last evaluated: 2026-01-26. Review status: criteria provided, single submitter. Criteria: Invitae Variant Classification Sherloc (09022015). Collection method: clinical testing. Allele origin: germline.

Quest Diagnostics Nichols Institute San Juan Capistrano
Classification: Uncertain significance. Last evaluated: 2025-07-30. Review status: criteria provided, single submitter. Criteria: Quest Diagnostics criteria. Collection method: clinical testing. Allele origin: unknown.
Comment: The BRCA2 c.8942A>G (p.Glu2981Gly) variant has been reported in the published literature in individuals with breast cancer (PMID: 24916970 (2015), 28480178 (2017), 34072659 (2021), 34287479 (2021)). This variant has also been identified in a reportedly unaffected individual (PMID: 33471991 (2021), see also LOVD). The frequency of this variant in the general population (Genome Aggregation Database) is uninformative in the assessment of its pathogenicity. Analysis of this variant using bioinformatics tools for the prediction of the effect of amino acid changes on protein structure and function yielded predictions that this variant is benign. Based on the available information, we are unable to determine the clinical significance of this variant.

Ambry Genetics
Classification: Benign for Hereditary cancer-predisposing syndrome. Last evaluated: 2025-05-22. Review status: criteria provided, single submitter. Criteria: Ambry Variant Classification Scheme 2023. Collection method: clinical testing. Allele origin: germline.

GeneDx
Classification: Uncertain significance. Last evaluated: 2024-12-02. Review status: criteria provided, single submitter. Criteria: GeneDx Variant Classification Process June 2021. Collection method: clinical testing. Allele origin: germline. Affected: yes.
Comment: In silico analysis indicates that this missense variant does not alter protein structure/function; Also known as 9170A>G; This variant is associated with the following publications: (PMID: 24916970, 22144684, 28480178, 32422573, 34072659, 34287479, 33471991, 12228710)

All of Us Research Program, National Institutes of Health
Classification: Uncertain significance for BRCA2-related cancer predisposition. Last evaluated: 2024-05-24. Review status: criteria provided, single submitter. Criteria: ACMG Guidelines, 2015. Collection method: clinical testing. Allele origin: germline. Inheritance: Autosomal dominant inheritance. Observed: 4 variant alleles, 4 heterozygotes.
Comment: This missense variant replaces glutamic acid with glycine at codon 2981 of the BRCA2 protein. Computational prediction suggests that this variant may not impact protein structure and function (internally defined REVEL score threshold <= 0.5, PMID: 27666373). To our knowledge, functional studies have not been performed for this variant. This variant has been reported in at least 2 families/individuals affected with hereditary breast and/or ovarian cancer and has been reported in 1 unaffected individual (PMID 24916970, 33471991, 34072659, 34287479). This variant has been identified in 6/248100 chromosomes in the general population by the Genome Aggregation Database (gnomAD). The available evidence is insufficient to determine the role of this variant in disease conclusively. Therefore, this variant is classified as a Variant of Uncertain Significance.

This study involves interpretation of variants in research participants for the purpose of population health screening. Participant phenotype was not available at the time of variant classification. Additional details can be found in publication PMID: 35346344, PMCID: PMC8962531

Color Diagnostics, LLC DBA Color Health
Classification: Uncertain significance for Hereditary cancer-predisposing syndrome. Last evaluated: 2024-04-04. Review status: criteria provided, single submitter. Criteria: ACMG Guidelines, 2015. Collection method: clinical testing. Allele origin: germline.
Comment: This missense variant replaces glutamic acid with glycine at codon 2981 of the BRCA2 protein. Computational prediction suggests that this variant may not impact protein structure and function. To our knowledge, functional studies have not been performed for this variant. This variant has been reported in at least 2 families/individuals affected with hereditary breast and/or ovarian cancer and has been reported in 1 unaffected individual (PMID 24916970, 33471991, 34072659, 34287479). This variant has been identified in 6/248100 chromosomes in the general population by the Genome Aggregation Database (gnomAD). The available evidence is insufficient to determine the role of this variant in disease conclusively. Therefore, this variant is classified as a Variant of Uncertain Significance.

Women's Health and Genetics/Laboratory Corporation of America, LabCorp
Classification: Uncertain significance. Last evaluated: 2023-09-18. Review status: criteria provided, single submitter. Criteria: LabCorp Variant Classification Summary - May 2015. Collection method: clinical testing. Allele origin: germline.
Comment: Variant summary: BRCA2 c.8942A>G (p.Glu2981Gly) results in a non-conservative amino acid change in the encoded protein sequence. Three of five in-silico tools predict a benign effect of the variant on protein function. The variant allele was found at a frequency of 2.4e-05 in 248100 control chromosomes (gnomAD). The available data on variant occurrences in the general population are insufficient to allow any conclusion about variant significance. c.8942A>G has been reported in the literature in individuals affected with breast or ovarian cancer and an unaffected control (Peixoto_2014, Solano_2021, Nagy_2021, Dorling_2021). These reports do not provide unequivocal conclusions about association of the variant with Hereditary Breast And Ovarian Cancer Syndrome. Co-occurrence with a pathogenic variant has been reported (BRCA2 c.5909C>A, p.Ser1970X), providing supporting evidence for a benign role. To our knowledge, no experimental evidence demonstrating an impact on protein function has been reported. The following publications have been ascertained in the context of this evaluation (PMID: 24916970, 34072659, 34287479, 33471991). Six submitters have cited clinical-significance assessments for this variant to ClinVar after 2014, and classified it as likely benign (n=1) or uncertain significance (n=5). Based on the evidence outlined above, the variant was classified as VUS-possibly benign.

Baylor Genetics
Classification: Uncertain significance for Familial cancer of breast. Last evaluated: 2023-07-29. Review status: criteria provided, single submitter. Criteria: ACMG Guidelines, 2015. Collection method: clinical testing. Allele origin: unknown.

Sema4
Classification: Uncertain significance for Hereditary cancer-predisposing syndrome. Last evaluated: 2022-02-24. Review status: criteria provided, single submitter. Criteria: Sema4 Curation Guidelines. Collection method: curation. Allele origin: germline.
Comment: The BRCA2 c.8942A>G (p.E2981G) has been reported in at least 4 individuals with breast cancer and/or ovarian. cancer (PMID 24916970, 28480178, 34287479, 34072659). The variant has also been reported in 1/53,461 controls but not in breast cancer cases in a large dataset of 60,466 women with breast cancer (PMID 33471991). This variant was observed in 5/34198 chromosomes in the Latino population, according to the Genome Aggregation Database (PMID: 32461654). The variant has been reported in ClinVar (Variation ID 91738). Functional studies have not been performed, and in silico predictions of the variant's effect on protein function are inconclusive. The evidence is insufficient to meet ACMG/AMP criteria for classifying the variant as benign or pathogenic. Thus, the clinical significance of this variant is currently uncertain.

Sharing Clinical Reports Project (SCRP)
Classification: Uncertain significance for Breast-ovarian cancer, familial 2. Last evaluated: 2012-06-19. Review status: no assertion criteria provided. Collection method: clinical testing. Allele origin: germline. Not counted in ClinVar's aggregate classification.

Literature cited by the submitters: PubMed 28480178 (cited by Quest Diagnostics Nichols Institute San Juan Capistrano and Sema4); PubMed 24916970 (cited by 5 submitters); PubMed 34287479 (cited by 4 submitters); PubMed 33471991 (cited by 4 submitters); PubMed 34072659 (cited by 4 submitters).